The following is an entry in ClinVar:

ClinVar aggregate classification (germline): Uncertain significance (0 of 4 stars; one submission).

Conditions:
TTN-related disorder. Also called: TTN-related condition; TTN-related disease; TTN-related disorders.

Allele frequency attached by ClinVar (database versions not stated): ExAC 0.00001; ESP Exome Variant Server 0.00008.
gnomAD v4.1: 2 of 1,611,574 alleles (0.00012%); highest among the groups gnomAD compares: Non-Finnish European, 0.00017%; no homozygotes.

Submission:

PreventionGenetics, part of Exact Sciences
Classification: Uncertain significance for TTN-related condition. Last evaluated: 2024-01-08. Review status: no assertion criteria provided. Collection method: clinical testing. Allele origin: germline.
Comment: The TTN c.45113C>G variant is predicted to result in the amino acid substitution p.Ala15038Gly. To our knowledge, this variant has not been reported in the literature. This variant is reported in 0.00091% of alleles in individuals of European (Non-Finnish) descent in gnomAD. At this time, the clinical significance of this variant is uncertain due to the absence of conclusive functional and genetic evidence.

NM_001267550.2(TTN):c.45113C>G (p.Ala15038Gly)

Genes: TTN (titin; minus strand), LOC126806427 (BRD4-independent group 4 enhancer GRCh37_chr2:179485777-179486976; plus strand). Cytogenetic location: 2q31.2.
Variant type: single nucleotide variant.
Coding change: c.45113C>G on transcript NM_001267550.2 (MANE Select); coding-DNA position 45113, C replaced by G.
Protein change: p.Ala15038Gly; replaces alanine 15038 with glycine.
Molecular consequence: missense variant.
Genome position (GRCh38, 1-based): chr2:178,621,711, G>C on the plus strand (C>G on the coding strand, the complement: TTN is on the minus strand). VCF-style: chr2-178621711-G-C. GRCh37 (hg19) VCF-style: chr2-179486438-G-C.
Other names: c.40190C>G, p.Ala13397Gly (NM_001256850.1); c.17918C>G, p.Ala5973Gly (NM_003319.4); c.37409C>G, p.Ala12470Gly (NM_133378.4); c.18293C>G, p.Ala6098Gly (NM_133432.3); c.18494C>G, p.Ala6165Gly (NM_133437.4); short protein forms A12470G, A13397G, A15038G, A5973G, A6098G, A6165G.
Identifiers: ClinVar variation 3029604 (VCV003029604.2), dbSNP rs368158748, ClinGen allele CA1995494.